The following is an entry in ClinVar:

ClinVar aggregate classification (germline): Uncertain significance (1 of 4 stars; one submission).

Conditions:
Nephronophthisis. Also called: Juvenile Nephronophthisis. Identifiers: Orphanet 655, MedGen C0687120, MONDO:0019005, HP:0000090.

Submission:

Labcorp Genetics (formerly Invitae), Labcorp
Classification: Uncertain significance for Nephronophthisis. Last evaluated: 2019-11-16. Review status: criteria provided, single submitter. Criteria: Invitae Variant Classification Sherloc (09022015). Collection method: clinical testing. Allele origin: germline.
Comment: This variant results in a copy number gain of the genomic region encompassing exons 10-20 of the NPHP1 gene. The 5' boundary is likely confined to intron 9. The 3' end of this event is unknown as it extends beyond the assayed region for this gene and therefore may encompass additional genes. As the precise location of this event is unknown, it may be in tandem or it may be located elsewhere in the genome. This variant has not been reported in the literature in individuals with NPHP1-related conditions. In summary, the available evidence is currently insufficient to determine the role of this variant in disease. Therefore, it has been classified as a Variant of Uncertain Significance.

NC_000002.12:g.(?_110123791)_(110161697_?)dup

Gene: NPHP1 (nephrocystin 1; minus strand). Cytogenetic location: 2q13.
Variant type: Duplication.
Identifiers: ClinVar variation 833413 (VCV000833413.1).